The following is an entry in ClinVar:

ClinVar aggregate classification (germline): Uncertain significance. Review status: criteria provided, multiple submitters, no conflicts (2 of 4 stars). 4 submissions from 4 submitters: Uncertain significance (3). 1 of the submissions does not count toward it. Last evaluated 2025-07-08.

Conditions:
Inborn genetic diseases. Identifiers: MedGen C0950123, MeSH D030342.
Ehlers-Danlos syndrome, dermatosparaxis type. Also called: EDS VIIC; Dermatosparaxis; Ehlers-Danlos syndrome, type VII, autosomal recessive. Identifiers: Orphanet 1901, MedGen C2700425, MONDO:0009161, OMIM 225410.

Allele frequency attached by ClinVar (database versions not stated): gnomAD exomes 0.00001 and 0.00003; TOPMed 0.00001; ExAC 0.00005.
gnomAD v4.1: 11 of 1,612,366 alleles (0.00068%); highest among the groups gnomAD compares: Middle Eastern, 0.016%; no homozygotes.

Submissions (4):

Women's Health and Genetics/Laboratory Corporation of America, LabCorp
Classification: Uncertain significance. Last evaluated: 2025-07-08. Review status: criteria provided, single submitter. Criteria: LabCorp Variant Classification Summary - May 2015. Collection method: clinical testing. Allele origin: germline.
Comment: Variant summary: ADAMTS2 c.641G>A (p.Arg214Gln) results in a conservative amino acid change in the encoded protein sequence. Algorithms developed to predict the effect of missense changes on protein structure and function are either unavailable or do not agree on the potential impact of this missense change. The variant allele was found at a frequency of 2.8e-05 in 250062 control chromosomes. The available data on variant occurrences in the general population are insufficient to allow any conclusion about variant significance. To our knowledge, no occurrence of c.641G>A in individuals affected with Ehlers-Danlos syndrome, dermatosparaxis type and no experimental evidence demonstrating its impact on protein function have been reported. ClinVar contains an entry for this variant (Variation ID: 537397). Based on the evidence outlined above, the variant was classified as uncertain significance.

Ambry Genetics
Classification: Uncertain significance for Inborn genetic diseases. Last evaluated: 2025-04-13. Review status: criteria provided, single submitter. Criteria: Ambry Variant Classification Scheme 2023. Collection method: clinical testing. Allele origin: germline.

Labcorp Genetics (formerly Invitae), Labcorp
Classification: Uncertain significance for Ehlers-Danlos syndrome, dermatosparaxis type. Last evaluated: 2022-06-13. Review status: criteria provided, single submitter. Criteria: Invitae Variant Classification Sherloc (09022015). Collection method: clinical testing. Allele origin: germline.
Comment: This sequence change replaces arginine, which is basic and polar, with glutamine, which is neutral and polar, at codon 214 of the ADAMTS2 protein (p.Arg214Gln). This variant is present in population databases (rs763524702, gnomAD 0.007%). This variant has not been reported in the literature in individuals affected with ADAMTS2-related conditions. ClinVar contains an entry for this variant (Variation ID: 537397). Algorithms developed to predict the effect of missense changes on protein structure and function are either unavailable or do not agree on the potential impact of this missense change (SIFT: "Deleterious"; PolyPhen-2: "Possibly Damaging"; Align-GVGD: "Class C0"). Algorithms developed to predict the effect of sequence changes on RNA splicing suggest that this variant may create or strengthen a splice site. In summary, the available evidence is currently insufficient to determine the role of this variant in disease. Therefore, it has been classified as a Variant of Uncertain Significance.

Natera, Inc.
Classification: Uncertain significance for Ehlers-Danlos syndrome type VIIC. Last evaluated: 2019-10-28. Review status: no assertion criteria provided. Collection method: clinical testing. Allele origin: germline. Not counted in ClinVar's aggregate classification.

NM_014244.5(ADAMTS2):c.641G>A (p.Arg214Gln)

Gene: ADAMTS2 (ADAM metallopeptidase with thrombospondin type 1 motif 2; minus strand). Cytogenetic location: 5q35.3.
Variant type: single nucleotide variant.
Coding change: c.641G>A on transcript NM_014244.5 (MANE Select); coding-DNA position 641, G replaced by A.
Protein change: p.Arg214Gln; replaces arginine 214 with glutamine.
Molecular consequence: missense variant.
Genome position (GRCh38, 1-based): chr5:179,272,958, C>T on the plus strand (G>A on the coding strand, the complement: ADAMTS2 is on the minus strand). VCF-style: chr5-179272958-C-T. GRCh37 (hg19) VCF-style: chr5-178699959-C-T.
Other names: c.641G>A, p.Arg214Gln (NM_021599.4); short protein forms R214Q.
Identifiers: ClinVar variation 537397 (VCV000537397.8), dbSNP rs763524702, ClinGen allele CA3596247.